The following is an entry in ClinVar:

ClinVar aggregate classification (germline): Benign (1 of 4 stars; one submission).

Conditions:
Glycogen storage disease, type II (IOPD). Also called: Pompe Disease; CARDIOMEGALIA GLYCOGENICA DIFFUSA; GLYCOGENOSIS, GENERALIZED, CARDIAC FORM; GSD II; POMPE DISEASE, INFANTILE-ONSET; GLYCOGEN STORAGE DISEASE II, INFANTILE-ONSET. Identifiers: Orphanet 365, MedGen C0017921, MONDO:0009290, OMIM 232300.

Submission:

Genomenon, Inc
Classification: Benign for Glycogen storage disease, type II. Last evaluated: 2026-07-01. Review status: criteria provided, single submitter. Criteria: Genomenon Sequence Variant Interpretation Standards - Updated. Collection method: curation. Allele origin: germline. Affected: no.
Comment: GAA c.-33+316C>A is an intronic variant located in the 5′ untranslated region (5′ UTR). This variant is present at high allele frequency in population databases. We classify GAA c.-33+316C>A as a benign variant.

NM_000152.5(GAA):c.-33+316C>A

Gene: GAA (alpha glucosidase; plus strand). Cytogenetic location: 17q25.3.
Variant type: single nucleotide variant.
Coding change: c.-33+316C>A on transcript NM_000152.5 (MANE Select); 316 bases into the intron after 33 bases upstream of the start codon, C replaced by A.
Molecular consequence: intron variant. On other transcripts: non-coding transcript variant (1).
Genome position (GRCh38, 1-based): chr17:80,102,206, C>A. VCF-style: chr17-80102206-C-A. GRCh37 (hg19) VCF-style: chr17-78076005-C-A.
Other names: c.-33+316C>A (NM_001406741.1, NM_001079803.3); c.-33+281C>A (NM_001406742.1); c.-33+581C>A (NM_001079804.3).
Identifiers: ClinVar variation 4876444 (VCV004876444.1).
Genomic context (GRCh38, chr17:80,102,206, plus strand): 5'-CTGGCCGGGACCCGAGCCACCTCTCCTGCTCCTGCAGGACGCACATGGCTGGGTCTGAAT[C>A]CCTGGGGTGAGGAGCACCGTGGCCTGAGAGGGGGCCCCTGGGCCAGCTCTGAAATCTGAA-3'